The following is an entry in ClinVar:

NM_001042492.3(NF1):c.288+4A>G

Gene: NF1 (neurofibromin 1; plus strand). Cytogenetic location: 17q11.2.
Variant type: single nucleotide variant.
Coding change: c.288+4A>G on transcript NM_001042492.3 (MANE Select); 4 bases into the intron after coding-DNA position 288, A replaced by G.
Molecular consequence: intron variant.
Genome position (GRCh38, 1-based): chr17:31,159,097, A>G. VCF-style: chr17-31159097-A-G. GRCh37 (hg19) VCF-style: chr17-29486115-A-G.
Other names: c.288+4A>G (NM_000267.4, NM_001128147.3).
Identifiers: ClinVar variation 404451 (VCV000404451.14), dbSNP rs781459468, ClinGen allele CA16615554.
Genomic context (GRCh38, chr17:31,159,097, plus strand): 5'-AATTTATATCTCTCTCAGTTGATTATATTGGATACACTGGAAAAATGTCTTGCTGGGGTA[A>G]GTAAATTGATCTTAAGTAGGCAGGCTTTGTGAATTTGATCTTGAGAATGATCTTATGTCC-3'

ClinVar aggregate classification (germline): Conflicting classifications of pathogenicity. Review status: criteria provided, conflicting classifications (1 of 4 stars). 7 submissions from 7 submitters: Pathogenic (4); Likely pathogenic (2); Uncertain significance (1). Last evaluated 2025-09-02.

Conditions:
Neurofibromatosis-Noonan syndrome (NFNS). Also called: NEUROFIBROMATOSIS WITH NOONAN PHENOTYPE. Identifiers: Orphanet 638, MedGen C2931482, MONDO:0011035, OMIM 601321. Disease mechanism: loss of function.
Neurofibromatosis, type 1 (NF1). Also called: Neurofibromatosis, type I; NEUROFIBROMATOSIS, TYPE I, SOMATIC; Peripheral type neurofibromatosis; VON RECKLINGHAUSEN DISEASE. Identifiers: Orphanet 636, MedGen C0027831, MONDO:0018975, OMIM 162200. Disease mechanism: loss of function.

Submissions (7):

Labcorp Genetics (formerly Invitae), Labcorp
Classification: Pathogenic for Neurofibromatosis, type 1. Last evaluated: 2025-09-02. Review status: criteria provided, single submitter. Criteria: Invitae Variant Classification Sherloc (09022015). Collection method: clinical testing. Allele origin: germline.
Comment: This sequence change falls in intron 3 of the NF1 gene. It does not directly change the encoded amino acid sequence of the NF1 protein. It affects a nucleotide within the consensus splice site. This variant is not present in population databases (gnomAD no frequency). This variant has been observed in individual(s) with clinical features of NF1-related conditions (PMID: 31370276, 37751797; internal data). Invitae Evidence Modeling of clinical and family history, age, sex, and reported ancestry of multiple individuals with this NF1 variant has been performed. This variant is expected to be pathogenic with a positive predictive value of at least 99%. This is a validated machine learning model that incorporates the clinical features of 1,785,918 individuals referred to our laboratory for NF1 testing. ClinVar contains an entry for this variant (Variation ID: 404451). Variants that disrupt the consensus splice site are a relatively common cause of aberrant splicing (PMID: 17576681, 9536098). Algorithms developed to predict the effect of sequence changes on RNA splicing suggest that this variant may disrupt the consensus splice site. For these reasons, this variant has been classified as Pathogenic.

NHS Central & South Genomic Laboratory Hub
Classification: Pathogenic for Neurofibromatosis type 1. Last evaluated: 2024-11-11. Review status: criteria provided, single submitter. Criteria: ACMG Guidelines, 2015. Collection method: clinical testing. Allele origin: germline. Affected: yes.

Pittsburgh Clinical Genomics Laboratory, University of Pittsburgh Medical Center
Classification: Uncertain significance for Neurofibromatosis-Noonan syndrome. Last evaluated: 2024-06-25. Review status: criteria provided, single submitter. Criteria: ACMG Guidelines, 2015. Collection method: clinical testing. Allele origin: germline. Inheritance: Autosomal dominant inheritance. Affected: yes.
Comment: This sequence variant is a single nucleotide substitution (A>G) 4 bases downstream of the donor splice site of exon 3 of 58 in the NF1 gene. This is a previously reported variant (ClinVar 404451) that has been observed in an individual with phenotypes consistent with neurofibromatosis type 1 (PMID: 31370276). This variant is absent from the gnomAD v4.1.0 population database (0/1586428 alleles). In silico splice tools predict that this A to G base change will disrupt splicing, and the nucleotide at this position is moderately conserved across the vertebrate species examined. Studies examining the functional consequence of this variant have not been published, to our knowledge. At this time, there is insufficient evidence to determine if this variant is pathogenic or benign. Therefore, we consider this a variant of uncertain significance. ACMG Criteria: PM2, PP3

Quest Diagnostics Nichols Institute San Juan Capistrano
Classification: Pathogenic. Last evaluated: 2024-04-14. Review status: criteria provided, single submitter. Criteria: Quest Diagnostics criteria. Collection method: clinical testing. Allele origin: unknown.
Comment: The NF1 c.288+4A>G variant disrupts a canonical splice-donor site and interferes with normal NF1 mRNA splicing. This variant has been reported in the published literature in individuals with neurofibromatosis 1 (NF1) (PMID: 31370276 (2019) and Quest internal data). Assessment of experimental evidence suggests this variant will result in the removal of a section of the protein due to abnormal RNA splicing (PMID: 31370276 (2019), 17311297 (2007)). This variant has not been reported in large, multiethnic general populations (Genome Aggregation Database). Based on the available information, this variant is classified as pathogenic.

Medical Genetics, University of Parma
Classification: Likely pathogenic for Neurofibromatosis, type 1. Last evaluated: 2022-08-17. Review status: criteria provided, single submitter. Criteria: ACMG Guidelines, 2015. Collection method: clinical testing. Allele origin: germline. Inheritance: Autosomal dominant inheritance. Affected: yes.

Athena Diagnostics
Classification: Pathogenic. Last evaluated: 2021-02-17. Review status: criteria provided, single submitter. Criteria: Athena Diagnostics criteria. Collection method: clinical testing. Allele origin: unknown.
Comment: Assessment of experimental evidence suggests this variant will result in the removal of a section of the protein due to abnormal RNA splicing (PMID: 31370276). This variant has been identified in at least one individual with clinical features associated with this gene. Several other splice variants at this junction are reported to be pathogenic or likely pathogenic. This variant has not been reported in large, multi-ethnic general populations.

GeneDx
Classification: Likely pathogenic. Last evaluated: 2020-10-19. Review status: criteria provided, single submitter. Criteria: GeneDx Variant Classification Process June 2021. Collection method: clinical testing. Allele origin: germline. Affected: yes.
Comment: Published functional studies report this variant results in an in-frame deletion of 28 amino acids in a non-repeat region (Giugliano 2019); Not observed in large population cohorts (Lek et al., 2016); In silico analysis supports a deleterious effect on splicing; This variant is associated with the following publications: (PMID: 31370276)

Literature cited by the submitters: PubMed 31370276 (cited by 4 submitters); PubMed 37751797 (cited by Labcorp Genetics (formerly Invitae), Labcorp); PubMed 17576681 (cited by Labcorp Genetics (formerly Invitae), Labcorp); PubMed 9536098 (cited by Labcorp Genetics (formerly Invitae), Labcorp); PubMed 17311297 (cited by Quest Diagnostics Nichols Institute San Juan Capistrano).